The following is an entry in ClinVar:

ClinVar aggregate classification (germline): Uncertain significance (1 of 4 stars; one submission).

Allele frequency attached by ClinVar (database versions not stated): gnomAD exomes below 0.00001; gnomAD 0.00001; ExAC 0.00003; 1000 Genomes Project 30x 0.00016; 1000 Genomes Project 0.00020.

Submission:

Labcorp Genetics (formerly Invitae), Labcorp
Classification: Uncertain significance. Last evaluated: 2023-05-21. Review status: criteria provided, single submitter. Criteria: Invitae Variant Classification Sherloc (09022015). Collection method: clinical testing. Allele origin: germline.
Comment: In summary, the available evidence is currently insufficient to determine the role of this variant in disease. Therefore, it has been classified as a Variant of Uncertain Significance. Advanced modeling of protein sequence and biophysical properties (such as structural, functional, and spatial information, amino acid conservation, physicochemical variation, residue mobility, and thermodynamic stability) performed at Invitae indicates that this missense variant is not expected to disrupt WBP2 protein function. This variant has not been reported in the literature in individuals affected with WBP2-related conditions. This variant is present in population databases (rs553723291, gnomAD 0.01%). This sequence change replaces methionine, which is neutral and non-polar, with isoleucine, which is neutral and non-polar, at codon 186 of the WBP2 protein (p.Met186Ile).

NM_012478.4(WBP2):c.558G>A (p.Met186Ile)

Gene: WBP2 (WW domain binding protein 2; minus strand). Cytogenetic location: 17q25.1.
Variant type: single nucleotide variant.
Coding change: c.558G>A on transcript NM_012478.4 (MANE Select); coding-DNA position 558, G replaced by A.
Protein change: p.Met186Ile; replaces methionine 186 with isoleucine.
Molecular consequence: missense variant.
Genome position (GRCh38, 1-based): chr17:75,847,584, C>T on the plus strand (G>A on the coding strand, the complement: WBP2 is on the minus strand). VCF-style: chr17-75847584-C-T. GRCh37 (hg19) VCF-style: chr17-73843665-C-T.
Other names: c.423G>A, p.Met141Ile (NM_001330499.2); c.558G>A, p.Met186Ile (NM_001348170.1); short protein forms M141I, M186I.
Identifiers: ClinVar variation 2832696 (VCV002832696.3), dbSNP rs553723291, ClinGen allele CA8773856.